The following is an entry in ClinVar:

ClinVar aggregate classification (germline): Uncertain significance (1 of 4 stars; one submission).

Conditions:
Familial cancer of breast. Also called: hereditary breast carcinoma; BREAST CANCER, FAMILIAL; Hereditary breast cancer. Identifiers: Orphanet 227535, MedGen C0346153, MONDO:0016419, OMIM 114480. Disease mechanism: loss of function.

Allele frequency attached by ClinVar (database versions not stated): gnomAD exomes 0.00001.
gnomAD v4.1: 1 of 1,574,384 alleles (0.000064%); highest among the groups gnomAD compares: East Asian, 0.0023%; no homozygotes.

Submission:

Labcorp Genetics (formerly Invitae), Labcorp
Classification: Uncertain significance for Familial cancer of breast. Last evaluated: 2018-03-15. Review status: criteria provided, single submitter. Criteria: Invitae Variant Classification Sherloc (09022015). Collection method: clinical testing. Allele origin: germline.
Comment: This variant has not been reported in the literature in individuals with BARD1-related disease. Algorithms developed to predict the effect of missense changes on protein structure and function do not agree on the potential impact of this missense change (SIFT: "Deleterious"; PolyPhen-2: "Possibly Damaging"; Align-GVGD: "Class C0"). In summary, the available evidence is currently insufficient to determine the role of this variant in disease. Therefore, it has been classified as a Variant of Uncertain Significance. This sequence change replaces arginine with tryptophan at codon 10 of the BARD1 protein (p.Arg10Trp). The arginine residue is moderately conserved and there is a moderate physicochemical difference between arginine and tryptophan. While this variant is not present in population databases, the frequency information is unreliable, as metrics indicate poor data quality at this position in the ExAC database.

NM_000465.4(BARD1):c.28C>T (p.Arg10Trp)

Gene: BARD1 (BRCA1 associated RING domain 1; minus strand). Cytogenetic location: 2q35.
Variant type: single nucleotide variant.
Coding change: c.28C>T on transcript NM_000465.4 (MANE Select); coding-DNA position 28, C replaced by T.
Protein change: p.Arg10Trp; replaces arginine 10 with tryptophan.
Molecular consequence: missense variant. On other transcripts: non-coding transcript variant (3).
Genome position (GRCh38, 1-based): chr2:214,809,542, G>A on the plus strand (C>T on the coding strand, the complement: BARD1 is on the minus strand). VCF-style: chr2-214809542-G-A. GRCh37 (hg19) VCF-style: chr2-215674266-G-A.
Other names: c.28C>T, p.Arg10Trp (NM_001282543.2, NM_001282545.2, NM_001282548.2 and 1 more transcripts); short protein forms R10W.
Identifiers: ClinVar variation 572081 (VCV000572081.9), dbSNP rs1425810692, ClinGen allele CA350465395.